The following is an entry in ClinVar:

NM_000228.3(LAMB3):c.564+10G>A

Gene: LAMB3 (laminin subunit beta 3; minus strand). Cytogenetic location: 1q32.2.
Variant type: single nucleotide variant.
Coding change: c.564+10G>A on transcript NM_000228.3 (MANE Select); 10 bases into the intron after coding-DNA position 564, G replaced by A.
Molecular consequence: intron variant.
Genome position (GRCh38, 1-based): chr1:209,634,437, C>T on the plus strand (G>A on the coding strand, the complement: LAMB3 is on the minus strand). VCF-style: chr1-209634437-C-T. GRCh37 (hg19) VCF-style: chr1-209807782-C-T.
Other names: c.564+10G>A (NM_001127641.1, NM_001017402.2).
Identifiers: ClinVar variation 295136 (VCV000295136.18), dbSNP rs12410975, ClinGen allele CA1375932.

ClinVar aggregate classification (germline): Benign. Review status: criteria provided, multiple submitters, no conflicts (2 of 4 stars). 7 submissions from 5 submitters: Benign (7). Last evaluated 2026-02-04.

Conditions:
Junctional epidermolysis bullosa. Identifiers: Orphanet 305, MedGen C0079301, MONDO:0017612.
Amelogenesis imperfecta type 1A. Also called: Amelogenesis imperfecta local hypoplastic; Amelogenesis imperfecta, hypoplastic type; Amelogenesis imperfecta, type IA; AMELOGENESIS IMPERFECTA, HYPOPLASTIC TYPE IA. Identifiers: Orphanet 88661, MedGen C4011403, MONDO:0007094, OMIM 104530.
Junctional epidermolysis bullosa, non-Herlitz type. Also called: EPIDERMOLYSIS BULLOSA JUNCTIONALIS, DISENTIS TYPE; EPIDERMOLYSIS BULLOSA JUNCTIONALIS, NON-HERLITZ TYPE; EPIDERMOLYSIS BULLOSA JUNCTIONALIS, PROGRESSIVE; EPIDERMOLYSIS BULLOSA JUNCTIONALIS, SEVERE NONLETHAL; Adult junctional epidermolysis bullosa; Epidermolysis bullosa, junctional, non-herlitz type, somatic mosaic revertant. Identifiers: Orphanet 251393, Orphanet 79402, Orphanet 79405, Orphanet 89840, MedGen C0268374, MONDO:0009180, OMIM 226650.
Junctional epidermolysis bullosa gravis of Herlitz. Also called: EPIDERMOLYSIS BULLOSA JUNCTIONALIS, HERLITZ TYPE; EPIDERMOLYSIS BULLOSA, JUNCTIONAL, HERLITZ-PEARSON TYPE; JEB-HERLITZ TYPE; Epidermolysis Bullosa Letalis; Herlitz-type junctional epidermolysis bullosa; EPIDERMOLYSIS BULLOSA, JUNCTIONAL 1B, SEVERE. Identifiers: Orphanet 79404, MedGen C0079683, MONDO:0009182, OMIM 226700.

Allele frequency attached by ClinVar (database versions not stated): ESP Exome Variant Server 0.01461; gnomAD 0.02306 and 0.02808; 1000 Genomes Project 30x 0.07261; 1000 Genomes Project 0.07947; TOPMed 0.03025; gnomAD exomes 0.03146 and 0.05221; ExAC 0.04954.
gnomAD v4.1: 50,778 of 1,613,250 alleles (3.1%); highest among the groups gnomAD compares: East Asian, 25%; 2,291 homozygotes.

Submissions (7):

Labcorp Genetics (formerly Invitae), Labcorp
Classification: Benign. Last evaluated: 2026-02-04. Review status: criteria provided, single submitter. Criteria: Invitae Variant Classification Sherloc (09022015). Collection method: clinical testing. Allele origin: germline.

Genome-Nilou Lab
Classification: Benign for Amelogenesis imperfecta type 1A. Last evaluated: 2021-07-08. Review status: criteria provided, single submitter. Criteria: ACMG Guidelines, 2015. Collection method: clinical testing. Allele origin: germline. Affected: no.

Genome-Nilou Lab
Classification: Benign for Junctional epidermolysis bullosa gravis of Herlitz. Last evaluated: 2021-07-08. Review status: criteria provided, single submitter. Criteria: ACMG Guidelines, 2015. Collection method: clinical testing. Allele origin: germline. Affected: no.

Genome-Nilou Lab
Classification: Benign for Junctional epidermolysis bullosa, non-Herlitz type. Last evaluated: 2021-07-08. Review status: criteria provided, single submitter. Criteria: ACMG Guidelines, 2015. Collection method: clinical testing. Allele origin: germline. Affected: no.

Illumina Laboratory Services, Illumina
Classification: Benign for Junctional epidermolysis bullosa. Last evaluated: 2018-01-13. Review status: criteria provided, single submitter. Criteria: ICSL Variant Classification Criteria 13 December 2019. Collection method: clinical testing. Allele origin: germline.
Comment: This variant was observed in the ICSL laboratory as part of a predisposition screen in an ostensibly healthy population. It had not been previously curated by ICSL or reported in the Human Gene Mutation Database (HGMD: prior to June 1st, 2018), and was therefore a candidate for classification through an automated scoring system. Utilizing variant allele frequency, disease prevalence and penetrance estimates, and inheritance mode, an automated score was calculated to assess if this variant is too frequent to cause the disease. Based on the score and internal cut-off values, a variant classified as benign is not then subjected to further curation. The score for this variant resulted in a classification of benign for this disease.

GeneDx
Classification: Benign. Last evaluated: 2015-03-03. Review status: criteria provided, single submitter. Criteria: GeneDx Variant Classification Process June 2021. Collection method: clinical testing. Allele origin: germline. Affected: yes.

Breakthrough Genomics
Classification: Benign. Review status: criteria provided, single submitter. Criteria: ACMG Guidelines, 2015. Collection method: not provided. Allele origin: germline. Inheritance: Autosomal recessive inheritance. Affected: yes.